The following is an entry in ClinVar:

NM_152468.5(TMC8):c.772G>A (p.Glu258Lys)

Gene: TMC8 (transmembrane channel like 8; plus strand). Cytogenetic location: 17q25.3.
Variant type: single nucleotide variant.
Coding change: c.772G>A on transcript NM_152468.5 (MANE Select); coding-DNA position 772, G replaced by A.
Protein change: p.Glu258Lys; replaces glutamic acid 258 with lysine.
Molecular consequence: missense variant.
Genome position (GRCh38, 1-based): chr17:78,133,956, G>A. VCF-style: chr17-78133956-G-A. GRCh37 (hg19) VCF-style: chr17-76130037-G-A.
Other names: short protein forms E258K.
Identifiers: ClinVar variation 943031 (VCV000943031.10), dbSNP rs2075131794, ClinGen allele CA401244181.

ClinVar aggregate classification (germline): Uncertain significance (1 of 4 stars; one submission).

Conditions:
Epidermodysplasia verruciformis. Identifiers: Orphanet 302, MedGen C0014522, MONDO:0009176.

Submission:

Labcorp Genetics (formerly Invitae), Labcorp
Classification: Uncertain significance for Epidermodysplasia verruciformis. Last evaluated: 2019-05-31. Review status: criteria provided, single submitter. Criteria: Invitae Variant Classification Sherloc (09022015). Collection method: clinical testing. Allele origin: germline.
Comment: Algorithms developed to predict the effect of missense changes on protein structure and function are either unavailable or do not agree on the potential impact of this missense change (SIFT: "Deleterious"; PolyPhen-2: "Possibly Damaging"; Align-GVGD: "Class C0"). In summary, the available evidence is currently insufficient to determine the role of this variant in disease. Therefore, it has been classified as a Variant of Uncertain Significance. This variant has not been reported in the literature in individuals with TMC8-related conditions. This variant is not present in population databases (ExAC no frequency). This sequence change replaces glutamic acid with lysine at codon 258 of the TMC8 protein (p.Glu258Lys). The glutamic acid residue is moderately conserved and there is a small physicochemical difference between glutamic acid and lysine.